The following is an entry in ClinVar:

NM_001128425.2(MUTYH):c.17C>A (p.Ser6Tyr)

Genes: MUTYH (mutY DNA glycosylase; minus strand), TOE1 (target of EGR1, exonuclease; plus strand). Cytogenetic location: 1p34.1.
Variant type: single nucleotide variant.
Coding change: c.17C>A on transcript NM_001128425.2 (MANE Plus Clinical); coding-DNA position 17, C replaced by A.
Protein change: p.Ser6Tyr; replaces serine 6 with tyrosine.
Molecular consequence: missense variant. On other transcripts: 5 prime UTR variant (8), non-coding transcript variant (3).
Genome position (GRCh38, 1-based): chr1:45,340,238, G>T on the plus strand (C>A on the coding strand, the complement: MUTYH is on the minus strand). VCF-style: chr1-45340238-G-T. GRCh37 (hg19) VCF-style: chr1-45805910-G-T.
Other names: p.S6Y:TCC>TAC; c.-15G>T (NM_025077.4); c.-26C>A (NM_001048171.2); c.17C>A, p.Ser6Tyr (NM_001293190.2, NM_001407069.1, NM_001407073.1 and 1 more transcripts); c.-238C>A (NM_001293192.2); c.-297C>A (NM_001350650.2); c.-233C>A (NM_001350651.2); c.-42C>A (NM_001407070.1, NM_001407071.1); and 1 more; short protein forms S6Y.
Identifiers: ClinVar variation 142941 (VCV000142941.40), dbSNP rs587782837, ClinGen allele CA011733.

ClinVar aggregate classification (germline): Conflicting classifications of pathogenicity. Review status: criteria provided, conflicting classifications (1 of 4 stars). 11 submissions from 11 submitters: Uncertain significance (7); Likely benign (2). 2 of the submissions do not count toward it. Last evaluated 2026-09-01.

Conditions:
MUTYH-related disorder. Also called: MUTYH-related condition; MUTYH-related disorders.
Familial adenomatous polyposis 2. Also called: COLORECTAL ADENOMATOUS POLYPOSIS, AUTOSOMAL RECESSIVE; ADENOMAS, MULTIPLE COLORECTAL, AUTOSOMAL RECESSIVE; MUTYH-associated polyposis; MUTYH-related attenuated familial adenomatous polyposis; FAP type 2; MYH-associated polyposis. Identifiers: Orphanet 220460, Orphanet 247798, MedGen C3272841, MONDO:0012041, OMIM 608456.
Gastric cancer. Also called: Stomach cancer; Malignant tumor of stomach. Identifiers: MedGen C0024623, MeSH D013274, MONDO:0001056, OMIM 613659, HP:0012126.
Hereditary cancer-predisposing syndrome. Also called: Neoplastic Syndromes, Hereditary; Hereditary Cancer Syndrome; Tumor predisposition; Hereditary neoplastic syndrome. Identifiers: Orphanet 140162, MedGen C0027672, MeSH D009386, MONDO:0015356.

Allele frequency attached by ClinVar (database versions not stated): gnomAD exomes 0.00004 and 0.00010; gnomAD 0.00002; TOPMed 0.00004; ExAC 0.00005.
gnomAD v4.1: 28 of 1,613,744 alleles (0.0017%); highest among the groups gnomAD compares: Admixed American, 0.047%; no homozygotes.

Submissions (11):

GeneDx
Classification: Uncertain significance. Last evaluated: 2026-09-01. Review status: criteria provided, single submitter. Criteria: GeneDx Variant Classification Process June 2021. Collection method: clinical testing. Allele origin: germline.
Comment: In silico analysis supports that this missense variant does not alter protein structure/function; Identified in individuals with breast or other cancers (PMID: 27720647, 25186627); This variant is associated with the following publications: (PMID: 23108399, 25186627, 27720647)

Labcorp Genetics (formerly Invitae), Labcorp
Classification: Uncertain significance for Familial adenomatous polyposis 2. Last evaluated: 2026-01-28. Review status: criteria provided, single submitter. Criteria: Invitae Variant Classification Sherloc (09022015). Collection method: clinical testing. Allele origin: germline.
Comment: This sequence change replaces serine, which is neutral and polar, with tyrosine, which is neutral and polar, at codon 6 of the MUTYH protein (p.Ser6Tyr). This variant is present in population databases (rs587782837, gnomAD 0.08%). This missense change has been observed in individual(s) with breast cancer (PMID: 25186627). ClinVar contains an entry for this variant (Variation ID: 142941). An algorithm developed to predict the effect of missense changes on protein structure and function (PolyPhen-2) suggests that this variant is likely to be tolerated. In summary, the available evidence is currently insufficient to determine the role of this variant in disease. Therefore, it has been classified as a Variant of Uncertain Significance.

Women's Health and Genetics/Laboratory Corporation of America, LabCorp
Classification: Uncertain significance. Last evaluated: 2025-08-29. Review status: criteria provided, single submitter. Criteria: LabCorp Variant Classification Summary - May 2015. Collection method: clinical testing. Allele origin: germline.
Comment: Variant summary: MUTYH c.17C>A (p.Ser6Tyr) results in a non-conservative amino acid change in the encoded protein sequence. Algorithms developed to predict the effect of missense changes on protein structure and function are either unavailable or do not agree on the potential impact of this missense change. The variant allele was found at a frequency of 9.6e-05 in 249362 control chromosomes, predominantly at a frequency of 0.0007 within the Latino subpopulation in the gnomAD database. This frequency is not significantly higher than estimated for disease-causing variants in MUTYH, allowing no conclusion about variant significance. c.17C>A has been reported in the literature in individuals affected with MUTYH-associated Polyposis (Tung_2014) or unspecified individual(s) undertaking cancel panel testing (Mu_2016). These report(s) do not provide unequivocal conclusions about association of the variant with Hereditary Breast And Ovarian Cancer Syndrome or other MUTYH-related diseases. To our knowledge, no experimental evidence demonstrating an impact on protein function has been reported. The following publications have been ascertained in the context of this evaluation (PMID: 27720647, 25186627). ClinVar contains an entry for this variant (Variation ID: 142941). Based on the evidence outlined above, the variant was classified as uncertain significance.

Color Diagnostics, LLC DBA Color Health
Classification: Likely benign for Hereditary cancer-predisposing syndrome. Last evaluated: 2025-07-08. Review status: criteria provided, single submitter. Criteria: ACMG Guidelines, 2015. Collection method: clinical testing. Allele origin: germline.

Quest Diagnostics Nichols Institute San Juan Capistrano
Classification: Uncertain significance. Last evaluated: 2025-02-07. Review status: criteria provided, single submitter. Criteria: Quest Diagnostics criteria. Collection method: clinical testing. Allele origin: unknown.
Comment: The MUTYH c.17C>A (p.Ser6Tyr) variant has been reported in the published literature in an individual with breast cancer (PMID: 25186627 (2015)). The frequency of this variant in the general population (Genome Aggregation Database) is uninformative in the assessment of its pathogenicity. Analysis of this variant using bioinformatics tools for the prediction of the effect of amino acid changes on protein structure and function yielded predictions that this variant is benign. Based on the available information, we are unable to determine the clinical significance of this variant.

All of Us Research Program, National Institutes of Health
Classification: Uncertain significance for Familial adenomatous polyposis 2. Last evaluated: 2024-08-13. Review status: criteria provided, single submitter. Criteria: ACMG Guidelines, 2015. Collection method: clinical testing. Allele origin: germline. Inheritance: Autosomal recessive inheritance. Observed: 5 variant alleles, 5 heterozygotes.
Comment: This missense variant replaces serine with tyrosine at codon 6 of the MUTYH protein. Computational prediction suggests that this variant may not impact protein structure and function (internally defined REVEL score threshold <= 0.5, PMID: 27666373). To our knowledge, functional studies have not been performed for this variant. This variant has been reported in an individual affected with breast cancer (PMID: 25186627). This variant has been identified in 27/280764 chromosomes in the general population by the Genome Aggregation Database (gnomAD). The available evidence is insufficient to determine the role of this variant in disease conclusively. Therefore, this variant is classified as a Variant of Uncertain Significance.

This study involves interpretation of variants in research participants for the purpose of population health screening. Participant phenotype was not available at the time of variant classification. Additional details can be found in publication PMID: 35346344, PMCID: PMC8962531

Ambry Genetics
Classification: Likely benign for Hereditary cancer-predisposing syndrome. Last evaluated: 2024-04-26. Review status: criteria provided, single submitter. Criteria: Ambry Variant Classification Scheme 2023. Collection method: clinical testing. Allele origin: germline.

Baylor Genetics
Classification: Uncertain significance for Familial adenomatous polyposis 2. Last evaluated: 2024-02-05. Review status: criteria provided, single submitter. Criteria: ACMG Guidelines, 2015. Collection method: clinical testing. Allele origin: unknown. Study: CSER-TexasKidsCanSeq.

Fulgent Genetics
Classification: Uncertain significance for Familial adenomatous polyposis 2; Gastric cancer. Last evaluated: 2021-11-24. Review status: criteria provided, single submitter. Criteria: ACMG Guidelines, 2015. Collection method: clinical testing. Allele origin: unknown.

PreventionGenetics, part of Exact Sciences
Classification: Uncertain significance for MUTYH-related condition. Last evaluated: 2024-03-14. Review status: no assertion criteria provided. Collection method: clinical testing. Allele origin: germline. Not counted in ClinVar's aggregate classification.
Comment: The MUTYH c.17C>A variant is predicted to result in the amino acid substitution p.Ser6Tyr. This variant was observed in at least one individual who had a hereditary cancer panel performed; however no information was provided to support its pathogenicity (Mu et al. 2016. PubMed ID: 27720647, Supplementary Table 3). This variant is reported in 0.076% of alleles in individuals of Latino descent in gnomAD and has been interpreted as variant of uncertain significance in the ClinVar database. At this time, the clinical significance of this variant is uncertain due to the absence of conclusive functional and genetic evidence.

Mayo Clinic Laboratories, Mayo Clinic
Classification: Uncertain significance. Review status: no assertion criteria provided. Collection method: clinical testing. Allele origin: unknown. Not counted in ClinVar's aggregate classification.

Literature cited by the submitters: PubMed 25186627 (cited by 5 submitters); PubMed 27720647 (cited by Women's Health and Genetics/Laboratory Corporation of America, LabCorp).